The following is an entry in ClinVar:

NM_017739.4(POMGNT1):c.914C>T (p.Ala305Val)

Genes: POMGNT1 (protein O-linked mannose N-acetylglucosaminyltransferase 1 (beta 1,2-); minus strand), TSPAN1 (tetraspanin 1; plus strand). Cytogenetic location: 1p34.1.
Variant type: single nucleotide variant.
Coding change: c.914C>T on transcript NM_017739.4 (MANE Select); coding-DNA position 914, C replaced by T.
Protein change: p.Ala305Val; replaces alanine 305 with valine.
Molecular consequence: missense variant.
Genome position (GRCh38, 1-based): chr1:46,193,891, G>A on the plus strand (C>T on the coding strand, the complement: POMGNT1 is on the minus strand). VCF-style: chr1-46193891-G-A. GRCh37 (hg19) VCF-style: chr1-46659563-G-A.
Other names: c.914C>T, p.Ala305Val (NM_001410783.1, NM_001243766.2); c.848C>T, p.Ala283Val (NM_001290129.3); c.485C>T, p.Ala162Val (NM_001290130.2); short protein forms A162V, A283V, A305V.
Identifiers: ClinVar variation 1430607 (VCV001430607.8), dbSNP rs2148196499, ClinGen allele CA340181694.

ClinVar aggregate classification (germline): Uncertain significance (1 of 4 stars; one submission).

Conditions:
Autosomal recessive limb-girdle muscular dystrophy type 2O. Also called: Limb-Girdle Muscular Dystrophy Type 3C; MUSCULAR DYSTROPHY-DYSTROGLYCANOPATHY (LIMB-GIRDLE), TYPE C, 3; MUSCULAR DYSTROPHY-DYSTROGLYCANOPATHY, LIMB-GIRDLE, POMGNT1-RELATED. Identifiers: Orphanet 206564, MedGen C3150417, MONDO:0013161, OMIM 613157.
Muscular dystrophy-dystroglycanopathy (congenital with impaired intellectual development), type B, 3. Also called: MUSCULAR DYSTROPHY, CONGENITAL, POMGNT1-RELATED; Muscular dystrophy-dystroglycanopathy (congenital with intellectual disability), type B3. Identifiers: MedGen C3150412, MONDO:0013155, OMIM 613151.

Submission:

Labcorp Genetics (formerly Invitae), Labcorp
Classification: Uncertain significance for Autosomal recessive limb-girdle muscular dystrophy type 2O; Muscular dystrophy-dystroglycanopathy (congenital with impaired intellectual development), type B, 3. Last evaluated: 2024-01-02. Review status: criteria provided, single submitter. Criteria: Invitae Variant Classification Sherloc (09022015). Collection method: clinical testing. Allele origin: germline.
Comment: This sequence change replaces alanine, which is neutral and non-polar, with valine, which is neutral and non-polar, at codon 305 of the POMGNT1 protein (p.Ala305Val). This variant is not present in population databases (gnomAD no frequency). This variant has not been reported in the literature in individuals affected with POMGNT1-related conditions. ClinVar contains an entry for this variant (Variation ID: 1430607). Advanced modeling of protein sequence and biophysical properties (such as structural, functional, and spatial information, amino acid conservation, physicochemical variation, residue mobility, and thermodynamic stability) performed at Invitae indicates that this missense variant is not expected to disrupt POMGNT1 protein function with a negative predictive value of 95%. In summary, the available evidence is currently insufficient to determine the role of this variant in disease. Therefore, it has been classified as a Variant of Uncertain Significance.